The following is an entry in ClinVar:

NM_001044.5(SLC6A3):c.1639C>A (p.His547Asn)

Gene: SLC6A3 (solute carrier family 6 member 3). Cytogenetic location: 5p15.33.
Variant type: single nucleotide variant.
Coding change: c.1639C>A on transcript NM_001044.5 (MANE Select); coding-DNA position 1639, C replaced by A.
Protein change: p.His547Asn; replaces histidine 547 with asparagine.
Molecular consequence: missense variant.
Genome position (GRCh38, 1-based): chr5:1,403,050, G>T on the plus strand (C>A on the coding strand, the complement: SLC6A3 is on the minus strand). VCF-style: chr5-1403050-G-T. GRCh37 (hg19) VCF-style: chr5-1403165-G-T.
Other names: c.1639C>A (NM_001044.4); short protein forms H547N.
Identifiers: ClinVar variation 1399518 (VCV001399518.9), dbSNP rs781299950, ClinGen allele CA3185958.

ClinVar aggregate classification (germline): Uncertain significance. Review status: criteria provided, multiple submitters, no conflicts (2 of 4 stars). 2 submissions from 2 submitters: Uncertain significance (2). Last evaluated 2025-06-07.

Conditions:
Parkinsonism-dystonia, infantile. Identifiers: Orphanet 238455, MedGen C2751067, MONDO:0013150.
Inborn genetic diseases. Identifiers: MedGen C0950123, MeSH D030342.

Allele frequency attached by ClinVar (database versions not stated): ExAC 0.00002.
gnomAD v4.1: 19 of 1,613,610 alleles (0.0012%); highest among the groups gnomAD compares: African/African-American, 0.011%; no homozygotes.

Submissions (2):

Ambry Genetics
Classification: Uncertain significance for Inborn genetic diseases. Last evaluated: 2025-06-07. Review status: criteria provided, single submitter. Criteria: Ambry Variant Classification Scheme 2023. Collection method: clinical testing. Allele origin: germline.

Labcorp Genetics (formerly Invitae), Labcorp
Classification: Uncertain significance for Parkinsonism-dystonia, infantile. Last evaluated: 2022-08-31. Review status: criteria provided, single submitter. Criteria: Invitae Variant Classification Sherloc (09022015). Collection method: clinical testing. Allele origin: germline.
Comment: In summary, the available evidence is currently insufficient to determine the role of this variant in disease. Therefore, it has been classified as a Variant of Uncertain Significance. Algorithms developed to predict the effect of missense changes on protein structure and function output the following: SIFT: "Tolerated"; PolyPhen-2: "Benign"; Align-GVGD: "Class C0". The asparagine amino acid residue is found in multiple mammalian species, which suggests that this missense change does not adversely affect protein function. ClinVar contains an entry for this variant (Variation ID: 1399518). This variant has not been reported in the literature in individuals affected with SLC6A3-related conditions. This variant is present in population databases (rs781299950, gnomAD 0.03%). This sequence change replaces histidine, which is basic and polar, with asparagine, which is neutral and polar, at codon 547 of the SLC6A3 protein (p.His547Asn).